The following is an entry in ClinVar:

NM_001174096.2(ZEB1):c.2410G>A (p.Ala804Thr)

Gene: ZEB1 (zinc finger E-box binding homeobox 1; plus strand). Cytogenetic location: 10p11.22.
Variant type: single nucleotide variant.
Coding change: c.2410G>A on transcript NM_001174096.2 (MANE Select); coding-DNA position 2410, G replaced by A.
Protein change: p.Ala804Thr; replaces alanine 804 with threonine.
Molecular consequence: missense variant.
Genome position (GRCh38, 1-based): chr10:31,521,742, G>A. VCF-style: chr10-31521742-G-A. GRCh37 (hg19) VCF-style: chr10-31810670-G-A.
Other names: c.2359G>A, p.Ala787Thr (NM_001128128.3); c.2347G>A, p.Ala783Thr (NM_001174093.2); c.2356G>A, p.Ala786Thr (NM_001174094.2); c.2206G>A, p.Ala736Thr (NM_001174095.2); c.1753G>A, p.Ala585Thr (NM_001323638.2, NM_001323641.2, NM_001323642.2 and 27 more transcripts); c.2185G>A, p.Ala729Thr (NM_001323674.2); c.2143G>A, p.Ala715Thr (NM_001323675.2); c.2368G>A, p.Ala790Thr (NM_001323676.2); and 3 more; short protein forms A736T, A804T, A729T, A789T, A585T, A712T, A787T, A803T.
Identifiers: ClinVar variation 4698057 (VCV004698057.1).

ClinVar aggregate classification (germline): Uncertain significance (1 of 4 stars; one submission).

gnomAD v4.1: 37 of 1,613,934 alleles (0.0023%); highest among the groups gnomAD compares: Admixed American, 0.0033%; no homozygotes.

Submission:

Labcorp Genetics (formerly Invitae), Labcorp
Classification: Uncertain significance. Last evaluated: 2025-11-12. Review status: criteria provided, single submitter. Criteria: Invitae Variant Classification Sherloc (09022015). Collection method: clinical testing. Allele origin: germline.
Comment: This sequence change replaces alanine, which is neutral and non-polar, with threonine, which is neutral and polar, at codon 803 of the ZEB1 protein (p.Ala803Thr). This variant is present in population databases (rs148358382, gnomAD 0.006%). This variant has not been reported in the literature in individuals affected with ZEB1-related conditions. Invitae Evidence Modeling of protein sequence and biophysical properties (such as structural, functional, and spatial information, amino acid conservation, physicochemical variation, residue mobility, and thermodynamic stability) indicates that this missense variant is not expected to disrupt ZEB1 protein function with a negative predictive value of 80%. In summary, the available evidence is currently insufficient to determine the role of this variant in disease. Therefore, it has been classified as a Variant of Uncertain Significance.